The following is an entry in ClinVar:

ClinVar aggregate classification (germline): Benign/Likely benign. Review status: criteria provided, multiple submitters, no conflicts (2 of 4 stars). 6 submissions from 6 submitters: Benign (5); Likely benign (1). Last evaluated 2026-02-01.

Conditions:
Mitochondrial complex V (ATP synthase) deficiency, nuclear type 1. Also called: Nuclear-Encoded ATPase Deficiency, ATPAF2-Related; MITOCHONDRIAL COMPLEX V (ATP SYNTHASE) DEFICIENCY, ATPAF2 TYPE. Identifiers: Orphanet 254913, MedGen C3276276, MONDO:0011421, OMIM 604273.

Allele frequency attached by ClinVar (database versions not stated): gnomAD exomes 0.00028 and 0.00069; ExAC 0.00093; gnomAD 0.00272 and 0.00291; TOPMed 0.00288; ESP Exome Variant Server 0.00300; 1000 Genomes Project 30x 0.00359; 1000 Genomes Project 0.00379.
gnomAD v4.1: 857 of 1,613,400 alleles (0.053%); highest among the groups gnomAD compares: African/African-American, 0.98%; 6 homozygotes.

Submissions (6):

CeGaT Center for Human Genetics Tuebingen
Classification: Benign. Last evaluated: 2026-02-01. Review status: criteria provided, single submitter. Criteria: CeGaT Center For Human Genetics Tuebingen Variant Classification Criteria Version 2. Collection method: clinical testing. Allele origin: germline. Affected: yes. Observed: 2 variant alleles.
Comment: ATPAF2: BS1, BS2

Labcorp Genetics (formerly Invitae), Labcorp
Classification: Benign. Last evaluated: 2026-01-19. Review status: criteria provided, single submitter. Criteria: Invitae Variant Classification Sherloc (09022015). Collection method: clinical testing. Allele origin: germline.

Mayo Clinic Laboratories, Mayo Clinic
Classification: Likely benign. Last evaluated: 2025-05-29. Review status: criteria provided, single submitter. Criteria: ACMG Guidelines, 2015. Collection method: clinical testing. Allele origin: germline. Observed: 3 variant alleles.
Comment: BS1, BS2, PP3_moderate

Illumina Laboratory Services, Illumina
Classification: Benign for Mitochondrial complex V (ATP synthase) deficiency, nuclear type 1. Last evaluated: 2018-01-13. Review status: criteria provided, single submitter. Criteria: ICSL Variant Classification Criteria 13 December 2019. Collection method: clinical testing. Allele origin: germline.
Comment: This variant was observed in the ICSL laboratory as part of a predisposition screen in an ostensibly healthy population. It had not been previously curated by ICSL or reported in the Human Gene Mutation Database (HGMD: prior to June 1st, 2018), and was therefore a candidate for classification through an automated scoring system. Utilizing variant allele frequency, disease prevalence and penetrance estimates, and inheritance mode, an automated score was calculated to assess if this variant is too frequent to cause the disease. Based on the score and internal cut-off values, a variant classified as benign is not then subjected to further curation. The score for this variant resulted in a classification of benign for this disease.

GeneDx
Classification: Benign. Last evaluated: 2015-01-07. Review status: criteria provided, single submitter. Criteria: GeneDx Variant Classification (06012015). Collection method: clinical testing. Allele origin: germline. Affected: yes.
Comment: This variant is considered likely benign or benign based on one or more of the following criteria: it is a conservative change, it occurs at a poorly conserved position in the protein, it is predicted to be benign by multiple in silico algorithms, and/or has population frequency not consistent with disease.

Breakthrough Genomics
Classification: Benign. Review status: criteria provided, single submitter. Criteria: ACMG Guidelines, 2015. Collection method: not provided. Allele origin: germline. Inheritance: Autosomal recessive inheritance. Affected: yes.

NM_145691.4(ATPAF2):c.722A>G (p.Glu241Gly)

Gene: ATPAF2 (ATP synthase mitochondrial F1 complex assembly factor 2; minus strand). Cytogenetic location: 17p11.2.
Variant type: single nucleotide variant.
Coding change: c.722A>G on transcript NM_145691.4 (MANE Select); coding-DNA position 722, A replaced by G.
Protein change: p.Glu241Gly; replaces glutamic acid 241 with glycine.
Molecular consequence: missense variant.
Genome position (GRCh38, 1-based): chr17:18,021,133, T>C on the plus strand (A>G on the coding strand, the complement: ATPAF2 is on the minus strand). VCF-style: chr17-18021133-T-C. GRCh37 (hg19) VCF-style: chr17-17924447-T-C.
Other names: p.E241G:GAG>GGG; p.Glu241Gly; short protein forms E241G.
Identifiers: ClinVar variation 214133 (VCV000214133.44), dbSNP rs34607655, ClinGen allele CA323236.